The following is an entry in ClinVar:

ClinVar aggregate classification (germline): Pathogenic. Review status: criteria provided, multiple submitters, no conflicts (2 of 4 stars). 2 submissions from 2 submitters: Pathogenic (2). Last evaluated 2023-08-25.

Conditions:
Familial cancer of breast. Also called: Hereditary breast cancer; BREAST CANCER, FAMILIAL; hereditary breast carcinoma. Identifiers: Orphanet 227535, MedGen C0346153, MONDO:0016419, OMIM 114480. Disease mechanism: loss of function.

Submissions (2):

Labcorp Genetics (formerly Invitae), Labcorp
Classification: Pathogenic for Familial cancer of breast. Last evaluated: 2023-08-25. Review status: criteria provided, single submitter. Criteria: Invitae Variant Classification Sherloc (09022015). Collection method: clinical testing. Allele origin: germline.
Comment: This sequence change creates a premature translational stop signal (p.Val477Trpfs*11) in the BARD1 gene. It is expected to result in an absent or disrupted protein product. Loss-of-function variants in BARD1 are known to be pathogenic (PMID: 20077502, 21344236). This variant is not present in population databases (gnomAD no frequency). This variant has not been reported in the literature in individuals affected with BARD1-related conditions. For these reasons, this variant has been classified as Pathogenic.

Myriad Genetics, Inc.
Classification: Pathogenic for Familial cancer of breast. Last evaluated: 2023-05-23. Review status: criteria provided, single submitter. Criteria: Myriad Autosomal Dominant, Autosomal Recessive and X-Linked Classification Criteria (2023). Collection method: clinical testing. Allele origin: unknown.
Comment: This variant is considered pathogenic. This variant creates a frameshift predicted to result in premature protein truncation.

Literature cited by the submitters: PubMed 20077502 (cited by Labcorp Genetics (formerly Invitae), Labcorp); PubMed 21344236 (cited by Labcorp Genetics (formerly Invitae), Labcorp).

NM_000465.4(BARD1):c.1429del (p.Val477fs)

Gene: BARD1 (BRCA1 associated RING domain 1; minus strand). Cytogenetic location: 2q35.
Variant type: Deletion.
Coding change: c.1429del on transcript NM_000465.4 (MANE Select); coding-DNA position 1429, one base deleted (G; older notation c.1429delG).
Protein change: p.Val477fs; shifts the reading frame from valine 477.
Molecular consequence: frameshift variant. On other transcripts: non-coding transcript variant (3), intron variant (3).
Genome position (GRCh38, 1-based): chr2:214,767,621, C deleted on the plus strand (G on the coding strand, the reverse complement: BARD1 is on the minus strand). VCF-style (leftmost placement, unchanged base first): chr2-214767620-AC-A. GRCh37 (hg19) VCF-style: chr2-215632344-AC-A.
Other names: c.1372del, p.Val458fs (NM_001282543.2); c.159-15066del (NM_001282548.2); c.216-15066del (NM_001282545.2); c.364+24676del (NM_001282549.2); short protein forms V458fs, V477fs.
Identifiers: ClinVar variation 2583480 (VCV002583480.5), dbSNP rs2469444462, ClinGen allele CA2582342136.
Genomic context (GRCh38, chr2:214,767,620, plus strand): 5'-GGTGAGTCATTTTGATACCCGGTGGTGTTCACCAATGCCTTATGCTGGAGCAATAATTCC[AC>A]TACCTTCAGGTGCCCATGATTGCAAGCTTCATGCTAATTAAATTTTTTGAAAAAGAAGTG-3'